The following is an entry in ClinVar:

NM_002519.3(NPAT):c.1040T>G (p.Ile347Ser)

Gene: NPAT (nuclear protein, coactivator of histone transcription; minus strand). Cytogenetic location: 11q22.3.
Variant type: single nucleotide variant.
Coding change: c.1040T>G on transcript NM_002519.3 (MANE Select); coding-DNA position 1040, T replaced by G.
Protein change: p.Ile347Ser; replaces isoleucine 347 with serine.
Molecular consequence: missense variant.
Genome position (GRCh38, 1-based): chr11:108,176,338, A>C on the plus strand (T>G on the coding strand, the complement: NPAT is on the minus strand). VCF-style: chr11-108176338-A-C. GRCh37 (hg19) VCF-style: chr11-108047065-A-C.
Other names: c.1040T>G, p.Ile347Ser (NM_001321307.1); short protein forms I347S.
Identifiers: ClinVar variation 1774062 (VCV001774062.2), dbSNP rs2496725831, ClinGen allele CA382516955.

ClinVar aggregate classification (germline): Uncertain significance (1 of 4 stars; one submission).

Allele frequency attached by ClinVar (database versions not stated): gnomAD exomes below 0.00001.
gnomAD v4.1: 3 of 1,553,294 alleles (0.00019%); highest among the groups gnomAD compares: Non-Finnish European, 0.00018%; no homozygotes.

Submission:

Ambry Genetics
Classification: Uncertain significance. Last evaluated: 2022-04-21. Review status: criteria provided, single submitter. Criteria: Ambry Variant Classification Scheme 2023. Collection method: clinical testing. Allele origin: germline.
Comment: The p.I347S variant (also known as c.1040T>G), located in coding exon 12 of the NPAT gene, results from a T to G substitution at nucleotide position 1040. The isoleucine at codon 347 is replaced by serine, an amino acid with dissimilar properties. This amino acid position is conserved. In addition, this alteration is predicted to be tolerated by in silico analysis. Since supporting evidence is limited at this time, the clinical significance of this alteration remains unclear.